The following is an entry in ClinVar:

ClinVar aggregate classification (germline): Conflicting classifications of pathogenicity. Review status: criteria provided, conflicting classifications (1 of 4 stars). 3 submissions from 3 submitters: Uncertain significance (2); Likely benign (1). Last evaluated 2026-02-03.

Conditions:
Hereditary cancer-predisposing syndrome. Also called: Neoplastic Syndromes, Hereditary; Hereditary Cancer Syndrome; Hereditary neoplastic syndrome; Tumor predisposition. Identifiers: Orphanet 140162, MedGen C0027672, MeSH D009386, MONDO:0015356.
Rhabdoid tumor predisposition syndrome 2 (RTPS2). Identifiers: Orphanet 231108, Orphanet 69077, MedGen C2750074, MONDO:0013224, OMIM 613325.

Allele frequency attached by ClinVar (database versions not stated): gnomAD exomes below 0.00001 and 0.00001; TOPMed below 0.00001; gnomAD 0.00001.
gnomAD v4.1: 11 of 1,612,284 alleles (0.00068%); highest among the groups gnomAD compares: Non-Finnish European, 0.00085%; no homozygotes.

Submissions (3):

Labcorp Genetics (formerly Invitae), Labcorp
Classification: Likely benign for Rhabdoid tumor predisposition syndrome 2. Last evaluated: 2026-02-03. Review status: criteria provided, single submitter. Criteria: Invitae Variant Classification Sherloc (09022015). Collection method: clinical testing. Allele origin: germline.

Sema4
Classification: Uncertain significance for Hereditary cancer-predisposing syndrome. Last evaluated: 2022-01-30. Review status: criteria provided, single submitter. Criteria: Sema4 Curation Guidelines. Collection method: curation. Allele origin: germline.
Comment: The SMARCA4 c.2439-12T>G variant has not been reported in the literature to our knowledge. It was observed in 1/113770 chromosomes of the Non-Finnish European subpopulation in the large and broad cohorts of the Genome Aggregation Database (PMID: 32461654). This variant has been reported in ClinVar (Variation ID 931070). Algorithms developed to predict the effect of sequence changes on RNA splicing do not suggest negative effect, though these predictions have not been confirmed by functional studies. The evidence is insufficient to meet ACMG/AMP criteria for classifying the variant as benign or pathogenic. Thus, the clinical significance of this variant is currently uncertain.

Centre for Mendelian Genomics, University Medical Centre Ljubljana
Classification: Uncertain significance for Rhabdoid tumor predisposition syndrome 2. Last evaluated: 2019-05-07. Review status: criteria provided, single submitter. Criteria: ACMG Guidelines, 2015. Collection method: clinical testing. Allele origin: unknown. Affected: yes.
Comment: This variant was classified as: Uncertain significance. The available evidence on this variant's pathogenicity is insufficient or conflicting. The following ACMG criteria were applied in classifying this variant: BP4.

NM_003072.5(SMARCA4):c.2439-12T>G

Gene: SMARCA4 (SWI/SNF related BAF chromatin remodeling complex subunit ATPase 4; plus strand). Cytogenetic location: 19p13.2.
Variant type: single nucleotide variant.
Coding change: c.2439-12T>G on transcript NM_003072.5 (MANE Select); 12 bases into the intron before coding-DNA position 2439, T replaced by G.
Molecular consequence: intron variant.
Genome position (GRCh38, 1-based): chr19:11,018,945, T>G. VCF-style: chr19-11018945-T-G. GRCh37 (hg19) VCF-style: chr19-11129621-T-G.
Other names: c.2439-12T>G (NM_001128844.3, NM_001128849.3, NM_001128847.4 and 4 more transcripts).
Identifiers: ClinVar variation 931070 (VCV000931070.12), dbSNP rs1462368992, ClinGen allele CA631758782.
Genomic context (GRCh38, chr19:11,018,945, plus strand): 5'-GTGGCTATGGGTTTGCACAGTGAGCCATTGATGAGAGACCGGCACTTGACTCTCATTTCC[T>G]TGTTCCATCAGAACGCTGTCCAACTGGGCGTACGAGTTTGACAAGTGGGCCCCCTCCGTG-3'